The following is an entry in ClinVar:

NM_001164508.2(NEB):c.16948A>G (p.Ile5650Val)

Gene: NEB (nebulin; minus strand). Cytogenetic location: 2q23.3.
Variant type: single nucleotide variant.
Coding change: c.16948A>G on transcript NM_001164508.2 (MANE Select); coding-DNA position 16948, A replaced by G.
Protein change: p.Ile5650Val; replaces isoleucine 5650 with valine.
Molecular consequence: missense variant.
Genome position (GRCh38, 1-based): chr2:151,575,760, T>C on the plus strand (A>G on the coding strand, the complement: NEB is on the minus strand). VCF-style: chr2-151575760-T-C. GRCh37 (hg19) VCF-style: chr2-152432274-T-C.
Other names: c.16948A>G, p.Ile5650Val (NM_001164507.2, NM_001271208.2); c.11845A>G, p.Ile3949Val (NM_004543.5); short protein forms I3949V, I5650V.
Identifiers: ClinVar variation 1312122 (VCV001312122.2), dbSNP rs1386459733, ClinGen allele CA348809528.

ClinVar aggregate classification (germline): Uncertain significance (1 of 4 stars; one submission).

Allele frequency attached by ClinVar (database versions not stated): gnomAD exomes below 0.00001; gnomAD 0.00001.
gnomAD v4.1: 4 of 1,610,898 alleles (0.00025%); highest among the groups gnomAD compares: South Asian, 0.0022%; no homozygotes.

Submission:

GeneDx
Classification: Uncertain significance. Last evaluated: 2020-04-13. Review status: criteria provided, single submitter. Criteria: GeneDx Variant Classification Process June 2021. Collection method: clinical testing. Allele origin: germline. Affected: yes.
Comment: Not observed at a significant frequency in large population cohorts (Lek et al., 2016); In silico analysis, which includes protein predictors and evolutionary conservation, supports that this variant does not alter protein structure/function; Has not been previously published as pathogenic or benign to our knowledge